The following is an entry in ClinVar:

ClinVar aggregate classification (germline): Uncertain significance. Review status: criteria provided, multiple submitters, no conflicts (2 of 4 stars). 2 submissions from 2 submitters: Uncertain significance (2). Last evaluated 2024-02-25.

Conditions:
Hereditary cancer-predisposing syndrome. Also called: Neoplastic Syndromes, Hereditary; Hereditary Cancer Syndrome; Hereditary neoplastic syndrome; Tumor predisposition. Identifiers: Orphanet 140162, MedGen C0027672, MeSH D009386, MONDO:0015356.

Allele frequency attached by ClinVar (database versions not stated): TOPMed below 0.00001.

Submissions (2):

Ambry Genetics
Classification: Uncertain significance for Hereditary cancer-predisposing syndrome. Last evaluated: 2024-02-25. Review status: criteria provided, single submitter. Criteria: Ambry Variant Classification Scheme 2023. Collection method: clinical testing. Allele origin: germline.
Comment: The p.M387I variant (also known as c.1161G>A), located in coding exon 8 of the CTNNA1 gene, results from a G to A substitution at nucleotide position 1161. The methionine at codon 387 is replaced by isoleucine, an amino acid with highly similar properties. This amino acid position is conserved. In addition, the in silico prediction for this alteration is inconclusive. Based on the available evidence, the clinical significance of this alteration remains unclear.

Labcorp Genetics (formerly Invitae), Labcorp
Classification: Uncertain significance. Last evaluated: 2020-03-18. Review status: criteria provided, single submitter. Criteria: Invitae Variant Classification Sherloc (09022015). Collection method: clinical testing. Allele origin: germline.
Comment: In summary, the available evidence is currently insufficient to determine the role of this variant in disease. Therefore, it has been classified as a Variant of Uncertain Significance. Algorithms developed to predict the effect of missense changes on protein structure and function are either unavailable or do not agree on the potential impact of this missense change (SIFT: "Deleterious"; PolyPhen-2: "Benign"; Align-GVGD: "Class C0"). This variant has not been reported in the literature in individuals with CTNNA1-related conditions. This variant is not present in population databases (ExAC no frequency). This sequence change replaces methionine with isoleucine at codon 387 of the CTNNA1 protein (p.Met387Ile). The methionine residue is highly conserved and there is a small physicochemical difference between methionine and isoleucine.

NM_001903.5(CTNNA1):c.1161G>A (p.Met387Ile)

Gene: CTNNA1 (catenin alpha 1; plus strand). Cytogenetic location: 5q31.2.
Variant type: single nucleotide variant.
Coding change: c.1161G>A on transcript NM_001903.5 (MANE Select); coding-DNA position 1161, G replaced by A.
Protein change: p.Met387Ile; replaces methionine 387 with isoleucine.
Molecular consequence: missense variant. On other transcripts: 5 prime UTR variant (5), intron variant (2).
Genome position (GRCh38, 1-based): chr5:138,887,507, G>A. VCF-style: chr5-138887507-G-A. GRCh37 (hg19) VCF-style: chr5-138223196-G-A.
Other names: c.1161G>A, p.Met387Ile (NM_001290307.3, NM_001323982.2, NM_001323983.1 and 3 more transcripts); c.852G>A, p.Met284Ile (NM_001290309.3); c.792G>A, p.Met264Ile (NM_001290310.3); c.51G>A, p.Met17Ile (NM_001290312.1, NM_001323987.1, NM_001323988.1 and 18 more transcripts); c.-347G>A (NM_001324006.1, NM_001324007.1, NM_001324008.1 and 1 more transcripts); c.-222G>A (NM_001324013.1); c.-58+11910G>A (NM_001324012.1); c.-61+11910G>A (NM_001324010.1); and 1 more; short protein forms M17I, M264I, M284I, M387I.
Identifiers: ClinVar variation 1058571 (VCV001058571.10), dbSNP rs1754336481, ClinGen allele CA361132967.